The following is an entry in ClinVar:

NM_017780.4(CHD7):c.7261A>G (p.Met2421Val)

Gene: CHD7 (chromodomain helicase DNA binding protein 7; plus strand). Cytogenetic location: 8q12.2.
Variant type: single nucleotide variant.
Coding change: c.7261A>G on transcript NM_017780.4 (MANE Select); coding-DNA position 7261, A replaced by G.
Protein change: p.Met2421Val; replaces methionine 2421 with valine.
Molecular consequence: missense variant. On other transcripts: intron variant (1).
Genome position (GRCh38, 1-based): chr8:60,856,541, A>G. VCF-style: chr8-60856541-A-G. GRCh37 (hg19) VCF-style: chr8-61769100-A-G.
Other names: c.7261A>G (LRG_176t1); c.1717-5688A>G (NM_001316690.1); short protein forms M2421V.
Identifiers: ClinVar variation 420989 (VCV000420989.2), dbSNP rs1064794834, ClinGen allele CA16618680.

ClinVar aggregate classification (germline): Uncertain significance (1 of 4 stars; one submission).

Allele frequency attached by ClinVar (database versions not stated): TOPMed 0.00001 and 0.00002; gnomAD 0.00002 and 0.00003.
gnomAD v4.1: 3 of 1,612,810 alleles (0.00019%); highest among the groups gnomAD compares: African/African-American, 0.004%; no homozygotes.

Submission:

GeneDx
Classification: Uncertain significance. Last evaluated: 2017-04-07. Review status: criteria provided, single submitter. Criteria: GeneDx Variant Classification (06012015). Collection method: clinical testing. Allele origin: germline. Affected: yes.
Comment: The M2421V variant in the CHD7 gene has not been reported previously as a pathogenic variant, nor as a benign variant, to our knowledge. The M2421V variant was not observed in approximately 6000 individuals of European and African American ancestry in the NHLBI Exome Sequencing Project, indicating it is not a common benign variant in these populations. The M2421V variant is a conservative amino acid substitution, which is not likely to impact secondary protein structure as these residues share similar properties. This substitution occurs at a position that is conserved. In silico analysis is inconsistent in its predictions as to whether or not the variant is damaging to the protein structure/function. We interpret M2421V as a variant of uncertain significance.